The following is an entry in ClinVar:

NM_001377.3(DYNC2H1):c.2574+173A>C

Gene: DYNC2H1 (dynein cytoplasmic 2 heavy chain 1; plus strand). Cytogenetic location: 11q22.3.
Variant type: single nucleotide variant.
Coding change: c.2574+173A>C on transcript NM_001377.3 (MANE Select); 173 bases into the intron after coding-DNA position 2574, A replaced by C.
Molecular consequence: intron variant.
Genome position (GRCh38, 1-based): chr11:103,136,121, A>C. VCF-style: chr11-103136121-A-C. GRCh37 (hg19) VCF-style: chr11-103006850-A-C.
Other names: c.2574+173A>C (NM_001080463.2).
Identifiers: ClinVar variation 672991 (VCV000672991.1), dbSNP rs113332399, ClinGen allele CA227408908.

ClinVar aggregate classification (germline): Likely benign (1 of 4 stars; one submission).

Allele frequency attached by ClinVar (database versions not stated): gnomAD 0.01055 and 0.01120; TOPMed 0.01238; 1000 Genomes Project 0.01398; 1000 Genomes Project 30x 0.01483.
gnomAD v4.1: 1,589 of 152,130 alleles (1%); highest among the groups gnomAD compares: African/African-American, 3.6%; 34 homozygotes.

Submission:

GeneDx
Classification: Likely benign. Last evaluated: 2018-06-14. Review status: criteria provided, single submitter. Criteria: GeneDx Variant Classification (06012015). Collection method: clinical testing. Allele origin: germline. Affected: yes.
Comment: This variant is considered likely benign or benign based on one or more of the following criteria: it is a conservative change, it occurs at a poorly conserved position in the protein, it is predicted to be benign by multiple in silico algorithms, and/or has population frequency not consistent with disease.